The following is an entry in ClinVar:

NM_001267550.2(TTN):c.77183del (p.Ser25728fs)

Genes: TTN (titin; minus strand), TTN-AS1 (TTN antisense RNA 1; plus strand). Cytogenetic location: 2q31.2.
Variant type: Deletion.
Coding change: c.77183del on transcript NM_001267550.2 (MANE Select); coding-DNA position 77183, one base deleted (G; older notation c.77183delG).
Protein change: p.Ser25728fs; shifts the reading frame from serine 25728.
Molecular consequence: frameshift variant.
Genome position (GRCh38, 1-based): chr2:178,568,949, C deleted on the plus strand (G on the coding strand, the reverse complement: TTN is on the minus strand). VCF-style (leftmost placement, unchanged base first): chr2-178568948-AC-A. GRCh37 (hg19) VCF-style: chr2-179433675-AC-A.
Other names: c.72260del, p.Ser24087fs (NM_001256850.1); c.49988del, p.Ser16663fs (NM_003319.4); c.69479del, p.Ser23160fs (NM_133378.4); c.50363del, p.Ser16788fs (NM_133432.3); c.50564del, p.Ser16855fs (NM_133437.4); c.49988delG (NM_003319.4); short protein forms S16788fs, S25728fs, S16663fs, S16855fs, S23160fs, S24087fs.
Identifiers: ClinVar variation 1744623 (VCV001744623.2), dbSNP rs2468384784, ClinGen allele CA2580064818.

ClinVar aggregate classification (germline): Likely pathogenic (1 of 4 stars; one submission).

Conditions:
Cardiovascular phenotype. Identifiers: MedGen CN230736.

Submission:

Ambry Genetics
Classification: Likely pathogenic for Cardiovascular phenotype. Last evaluated: 2022-06-06. Review status: criteria provided, single submitter. Criteria: Ambry Variant Classification Scheme 2023. Collection method: clinical testing. Allele origin: germline.
Comment: The c.49988delG variant, located in coding exon 153 of the TTN gene, results from a deletion of one nucleotide at nucleotide position 49988, causing a translational frameshift with a predicted alternate stop codon (p.S16663Ifs*24). This exon is located in the A-band region of the N2-B isoform of the titin protein and is constitutively expressed in TTN transcripts (percent spliced in or PSI 100%). This variant is considered to be rare based on population cohorts in the Genome Aggregation Database (gnomAD). This alteration is expected to result in loss of function by premature protein truncation or nonsense-mediated mRNA decay. While truncating variants in TTN are present in 1-3% of the general population, truncating variants in the A-band are the most common cause of dilated cardiomyopathy (DCM) (Herman DS et al. N. Engl. J. Med., 2012 Feb;366:619-28; Roberts AM et al. Sci Transl Med, 2015 Jan;7:270ra6). TTN truncating variants encoded in constitutive exons (PSI >90%) have been found to be significantly associated with DCM regardless of their position in titin (Schafer S et al. Nat. Genet., 2017 01;49:46-53). As such, this alteration is classified as likely pathogenic.